The following is an entry in ClinVar:

ClinVar aggregate classification (germline): Likely benign (1 of 4 stars; one submission).

Allele frequency attached by ClinVar (database versions not stated): ESP Exome Variant Server 0.00008; gnomAD 0.00015; gnomAD exomes 0.00015; TOPMed 0.00015; ExAC 0.00021; 1000 Genomes Project 30x 0.00031.
gnomAD v4.1: 254 of 1,612,830 alleles (0.016%); highest among the groups gnomAD compares: Middle Eastern, 0.15%; 1 homozygote.

Submission:

CeGaT Center for Human Genetics Tuebingen
Classification: Likely benign. Last evaluated: 2022-04-01. Review status: criteria provided, single submitter. Criteria: CeGaT Center For Human Genetics Tuebingen Variant Classification Criteria Version 2. Collection method: clinical testing. Allele origin: germline. Affected: yes. Observed: 1 variant allele.
Comment: PDIA2: BP4, BP7

NM_006849.4(PDIA2):c.813C>T (p.Phe271=)

Gene: PDIA2 (protein disulfide isomerase family A member 2; plus strand). Cytogenetic location: 16p13.3.
Variant type: single nucleotide variant.
Coding change: c.813C>T on transcript NM_006849.4 (MANE Select); coding-DNA position 813, C replaced by T.
Protein change: p.Phe271=; no amino-acid change (phenylalanine 271 retained).
Molecular consequence: synonymous variant.
Genome position (GRCh38, 1-based): chr16:285,329, C>T. VCF-style: chr16-285329-C-T. GRCh37 (hg19) VCF-style: chr16-335329-C-T.
Identifiers: ClinVar variation 2645781 (VCV002645781.24), dbSNP rs374179213, ClinGen allele CA7773195.
Genomic context (GRCh38, chr16:285,329, plus strand): 5'-GGCTGGGGGTCCTGTGGAGTCATGAGCACCCTCCCTACTGTAGACGTCTGCCAAGATCTT[C>T]GCGGCCAGGATCCTCAACCACCTGCTGCTGTTTGTCAACCAGACGCTGGCTGCGCACCGG-3'
Protein context (NP_006840.2, residues 261-281): EFNSQTSAKI[Phe271=]AARILNHLLL